The following is an entry in ClinVar:

ClinVar aggregate classification (germline): Likely pathogenic (1 of 4 stars; one submission).

Submission:

Labcorp Genetics (formerly Invitae), Labcorp
Classification: Likely pathogenic. Last evaluated: 2022-02-28. Review status: criteria provided, single submitter. Criteria: Invitae Variant Classification Sherloc (09022015). Collection method: clinical testing. Allele origin: germline.
Comment: In summary, the currently available evidence indicates that the variant is pathogenic, but additional data are needed to prove that conclusively. Therefore, this variant has been classified as Likely Pathogenic. This variant has not been reported in the literature in individuals affected with MYO18B-related conditions. This variant results in the deletion of exons 30-34 and part of exon 29 (c.4673_5517+2693delinsACTCTT) of the MYO18B gene. It is expected to disrupt RNA splicing. Variants that disrupt the donor or acceptor splice site typically lead to a loss of protein function (PMID: 16199547), and loss-of-function variants in MYO18B are known to be pathogenic (PMID: 25748484, 32184166, 32637634).

Literature cited by the submitters: PubMed 16199547; PubMed 25748484; PubMed 32184166; PubMed 32637634.

NC_000022.10:g.(?_26294278)_(26320069_?)del

Gene: MYO18B (myosin XVIIIB; plus strand). Cytogenetic location: 22q12.1.
Variant type: Deletion.
Identifiers: ClinVar variation 2427055 (VCV002427055.4).